The following is an entry in ClinVar:

NM_017775.4(TTC19):c.898A>C (p.Ile300Leu)

Gene: TTC19 (tetratricopeptide repeat domain 19; plus strand). Cytogenetic location: 17p12.
Variant type: single nucleotide variant.
Coding change: c.898A>C on transcript NM_017775.4 (MANE Select); coding-DNA position 898, A replaced by C.
Protein change: p.Ile300Leu; replaces isoleucine 300 with leucine.
Molecular consequence: missense variant.
Genome position (GRCh38, 1-based): chr17:16,026,606, A>C. VCF-style: chr17-16026606-A-C. GRCh37 (hg19) VCF-style: chr17-15929920-A-C.
Other names: p.Ile300Leu; c.577A>C, p.Ile193Leu (NM_001271420.2); short protein forms I300L, I193L.
Identifiers: ClinVar variation 749241 (VCV000749241.18), dbSNP rs143293913, ClinGen allele CA8407558.
Genomic context (GRCh38, chr17:16,026,606, plus strand): 5'-GTGCTGATGAGTGACCTGGCTACTACCCTGGATGCACAGGGCCGCTTTGATGAGGCCTAT[A>C]TTTATATGCAAAGGGCATCAGATCTGGCAAGACAGATAAATCATCCTGAGCTACACATGG-3'
Protein context (NP_060245.3, residues 290-310): DAQGRFDEAY[Ile300Leu]YMQRASDLAR

ClinVar aggregate classification (germline): Conflicting classifications of pathogenicity. Review status: criteria provided, conflicting classifications (1 of 4 stars). 5 submissions from 5 submitters: Uncertain significance (2); Likely benign (2). 1 of the submissions does not count toward it. Last evaluated 2025-12-03.

Conditions:
TTC19-related disorder. Also called: TTC19-related condition.
Mitochondrial complex III deficiency nuclear type 2. Identifiers: MedGen C3554605, MONDO:0014063, OMIM 615157.

Allele frequency attached by ClinVar (database versions not stated): gnomAD exomes 0.00046; ExAC 0.00055; gnomAD 0.00144 and 0.00156; ESP Exome Variant Server 0.00154; TOPMed 0.00159; 1000 Genomes Project 30x 0.00250; 1000 Genomes Project 0.00280.
gnomAD v4.1: 418 of 1,614,096 alleles (0.026%); highest among the groups gnomAD compares: African/African-American, 0.45%; 1 homozygote.

Submissions (5):

Labcorp Genetics (formerly Invitae), Labcorp
Classification: Likely benign. Last evaluated: 2025-12-03. Review status: criteria provided, single submitter. Criteria: Invitae Variant Classification Sherloc (09022015). Collection method: clinical testing. Allele origin: germline.

Mayo Clinic Laboratories, Mayo Clinic
Classification: Likely benign. Last evaluated: 2025-09-22. Review status: criteria provided, single submitter. Criteria: ACMG Guidelines, 2015. Collection method: clinical testing. Allele origin: germline. Observed: 3 variant alleles.
Comment: BS1, BP4

GeneDx
Classification: Uncertain significance. Last evaluated: 2023-03-28. Review status: criteria provided, single submitter. Criteria: GeneDx Variant Classification Process June 2021. Collection method: clinical testing. Allele origin: germline. Affected: yes.
Comment: In silico analysis supports that this missense variant does not alter protein structure/function; Has not been previously published as pathogenic or benign to our knowledge

Baylor Genetics
Classification: Uncertain significance for Mitochondrial complex III deficiency nuclear type 2. Last evaluated: 2018-05-15. Review status: criteria provided, single submitter. Criteria: ACMG Guidelines, 2015. Collection method: clinical testing. Allele origin: maternal. Affected: yes.
Comment: This variant was determined to be of uncertain significance according to ACMG Guidelines, 2015 [PMID:25741868].

PreventionGenetics, part of Exact Sciences
Classification: Likely benign for TTC19-related condition. Last evaluated: 2019-05-20. Review status: no assertion criteria provided. Collection method: clinical testing. Allele origin: germline. Not counted in ClinVar's aggregate classification.
Comment: This variant is classified as likely benign based on ACMG/AMP sequence variant interpretation guidelines (Richards et al. 2015 PMID: 25741868, with internal and published modifications).